The following is an entry in ClinVar:

NM_024928.5(STN1):c.845A>G (p.Gln282Arg)

Gene: STN1 (STN1 subunit of CST complex; minus strand). Cytogenetic location: 10q24.33.
Variant type: single nucleotide variant.
Coding change: c.845A>G on transcript NM_024928.5 (MANE Select); coding-DNA position 845, A replaced by G.
Protein change: p.Gln282Arg; replaces glutamine 282 with arginine.
Molecular consequence: missense variant.
Genome position (GRCh38, 1-based): chr10:103,892,161, T>C on the plus strand (A>G on the coding strand, the complement: STN1 is on the minus strand). VCF-style: chr10-103892161-T-C. GRCh37 (hg19) VCF-style: chr10-105651919-T-C.
Other names: short protein forms Q282R.
Identifiers: ClinVar variation 1437633 (VCV001437633.6), dbSNP rs142616199, ClinGen allele CA5676491.

ClinVar aggregate classification (germline): Uncertain significance (1 of 4 stars; one submission).

Allele frequency attached by ClinVar (database versions not stated): gnomAD exomes 0.00001 and 0.00002; ExAC 0.00002; TOPMed 0.00002; gnomAD 0.00003; ESP Exome Variant Server 0.00008.
gnomAD v4.1: 12 of 1,611,804 alleles (0.00074%); highest among the groups gnomAD compares: Non-Finnish European, 0.001%; no homozygotes.

Submission:

Labcorp Genetics (formerly Invitae), Labcorp
Classification: Uncertain significance. Last evaluated: 2025-01-13. Review status: criteria provided, single submitter. Criteria: Invitae Variant Classification Sherloc (09022015). Collection method: clinical testing. Allele origin: germline.
Comment: This sequence change replaces glutamine, which is neutral and polar, with arginine, which is basic and polar, at codon 282 of the STN1 protein (p.Gln282Arg). This variant is present in population databases (rs142616199, gnomAD 0.004%). This variant has not been reported in the literature in individuals affected with STN1-related conditions. ClinVar contains an entry for this variant (Variation ID: 1437633). Invitae Evidence Modeling of protein sequence and biophysical properties (such as structural, functional, and spatial information, amino acid conservation, physicochemical variation, residue mobility, and thermodynamic stability) indicates that this missense variant is not expected to disrupt STN1 protein function with a negative predictive value of 80%. In summary, the available evidence is currently insufficient to determine the role of this variant in disease. Therefore, it has been classified as a Variant of Uncertain Significance.